The following is an entry in ClinVar:

ClinVar aggregate classification (germline): Uncertain significance (1 of 4 stars; one submission).

Submission:

GeneDx
Classification: Uncertain significance. Last evaluated: 2024-10-04. Review status: criteria provided, single submitter. Criteria: GeneDx Variant Classification Process June 2021. Collection method: clinical testing. Allele origin: germline. Affected: yes.
Comment: Not observed at significant frequency in large population cohorts (gnomAD); In silico analysis supports that this missense variant has a deleterious effect on protein structure/function; Has not been previously published as pathogenic or benign to our knowledge

NM_014974.3(DIP2C):c.2303G>T (p.Ser768Ile)

Genes: DIP2C (disco interacting protein 2 homolog C; minus strand), LOC126860806 (MED14-independent group 3 enhancer GRCh37_chr10:409736-410935; plus strand). Cytogenetic location: 10p15.3.
Variant type: single nucleotide variant.
Coding change: c.2303G>T on transcript NM_014974.3 (MANE Select); coding-DNA position 2303, G replaced by T.
Protein change: p.Ser768Ile; replaces serine 768 with isoleucine.
Molecular consequence: missense variant.
Genome position (GRCh38, 1-based): chr10:364,548, C>A on the plus strand (G>T on the coding strand, the complement: DIP2C is on the minus strand). VCF-style: chr10-364548-C-A. GRCh37 (hg19) VCF-style: chr10-410488-C-A.
Other names: short protein forms S768I.
Identifiers: ClinVar variation 3776714 (VCV003776714.1).
Genomic context (GRCh38, chr10:364,548, plus strand): 5'-AAGACGAGGCCTCCGGGACCCACGAACCCCAGCAAGCCTGTCCTTATGAATGGGTATTCA[C>A]TGATCGGAGCCCCGGAGCTTGTCATGGGAAACACCTGGGGGAAACAGCATCCATCAGGCC-3'
Protein context (NP_055789.1, residues 758-778): FPMTSSGAPI[Ser768Ile]EYPFIRTGLL